The following is an entry in ClinVar:

NC_000011.9:g.(?_108005849)_(108005989_?)del

Gene: ACAT1 (acetyl-CoA acetyltransferase 1; plus strand). Cytogenetic location: 11q22.3.
Variant type: Deletion.
Identifiers: ClinVar variation 1367924 (VCV001367924.5).

ClinVar aggregate classification (germline): Pathogenic (1 of 4 stars; one submission).

Conditions:
Deficiency of acetyl-CoA acetyltransferase. Also called: MITOCHONDRIAL ACETOACETYL-CoA THIOLASE DEFICIENCY; 3-KETOTHIOLASE DEFICIENCY; 3-OXOTHIOLASE DEFICIENCY; Beta-ketothiolase deficiency. Identifiers: Orphanet 134, MedGen C1536500, MONDO:0008760, OMIM 203750. Disease mechanism: loss of function.

Submission:

Labcorp Genetics (formerly Invitae), Labcorp
Classification: Pathogenic for Deficiency of acetyl-CoA acetyltransferase. Last evaluated: 2023-03-29. Review status: criteria provided, single submitter. Criteria: Invitae Variant Classification Sherloc (09022015). Collection method: clinical testing. Allele origin: germline.
Comment: For these reasons, this variant has been classified as Pathogenic. This variant has not been reported in the literature in individuals affected with ACAT1-related conditions. This variant is a gross deletion of the genomic region encompassing exon(s) 5 of the ACAT1 gene. This deletion is out-of-frame, and is expected to create a premature termination codon and result in an absent or disrupted protein product. Loss-of-function variants in ACAT1 are known to be pathogenic (PMID: 7749408).

Literature cited by the submitters: PubMed 7749408.